The following is an entry in ClinVar:

NM_004525.3(LRP2):c.8056G>A (p.Ala2686Thr)

Gene: LRP2 (LDL receptor related protein 2; minus strand). Cytogenetic location: 2q31.1.
Variant type: single nucleotide variant.
Coding change: c.8056G>A on transcript NM_004525.3 (MANE Select); coding-DNA position 8056, G replaced by A.
Protein change: p.Ala2686Thr; replaces alanine 2686 with threonine.
Molecular consequence: missense variant.
Genome position (GRCh38, 1-based): chr2:169,202,909, C>T on the plus strand (G>A on the coding strand, the complement: LRP2 is on the minus strand). VCF-style: chr2-169202909-C-T. GRCh37 (hg19) VCF-style: chr2-170059419-C-T.
Other names: short protein forms A2686T.
Identifiers: ClinVar variation 4811105 (VCV004811105.1).

ClinVar aggregate classification (germline): Uncertain significance (1 of 4 stars; one submission).

gnomAD v4.1: 2 of 1,614,198 alleles (0.00012%); highest among the groups gnomAD compares: Non-Finnish European, 0.00017%; no homozygotes.

Submission:

Labcorp Genetics (formerly Invitae), Labcorp
Classification: Uncertain significance. Last evaluated: 2025-02-19. Review status: criteria provided, single submitter. Criteria: Invitae Variant Classification Sherloc (09022015). Collection method: clinical testing. Allele origin: germline.
Comment: This sequence change replaces alanine, which is neutral and non-polar, with threonine, which is neutral and polar, at codon 2686 of the LRP2 protein (p.Ala2686Thr). This variant is not present in population databases (gnomAD no frequency). This variant has not been reported in the literature in individuals affected with LRP2-related conditions. Invitae Evidence Modeling of protein sequence and biophysical properties (such as structural, functional, and spatial information, amino acid conservation, physicochemical variation, residue mobility, and thermodynamic stability) indicates that this missense variant is not expected to disrupt LRP2 protein function with a negative predictive value of 95%. In summary, the available evidence is currently insufficient to determine the role of this variant in disease. Therefore, it has been classified as a Variant of Uncertain Significance.